The following is an entry in ClinVar:

NM_007327.4(GRIN1):c.536G>A (p.Arg179His)

Gene: GRIN1 (glutamate ionotropic receptor NMDA type subunit 1; plus strand). Cytogenetic location: 9q34.3.
Variant type: single nucleotide variant.
Coding change: c.536G>A on transcript NM_007327.4 (MANE Select); coding-DNA position 536, G replaced by A.
Protein change: p.Arg179His; replaces arginine 179 with histidine.
Molecular consequence: missense variant.
Genome position (GRCh38, 1-based): chr9:137,145,868, G>A. VCF-style: chr9-137145868-G-A. GRCh37 (hg19) VCF-style: chr9-140040320-G-A.
Other names: c.536G>A, p.Arg179His (NM_000832.7, NM_001185090.2, NM_001185091.2 and 1 more transcripts); short protein forms R179H.
Identifiers: ClinVar variation 3338777 (VCV003338777.1).
Genomic context (GRCh38, chr9:137,145,868, plus strand): 5'-GCTGGAACCACATCATCCTGCTGGTCAGCGACGACCACGAGGGCCGGGCGGCTCAGAAAC[G>A]CCTGGAGACGCTGCTGGAGGAGCGTGAGTCCAAGGTGAGGGTCGGCGCCGCGGGTGGGCG-3'
Protein context (NP_015566.1, residues 169-189): DDHEGRAAQK[Arg179His]LETLLEERES

ClinVar aggregate classification (germline): Uncertain significance (1 of 4 stars; one submission).

gnomAD v4.1: 6 of 1,608,660 alleles (0.00037%); highest among the groups gnomAD compares: South Asian, 0.0011%; no homozygotes.

Submission:

GeneDx
Classification: Uncertain significance. Last evaluated: 2023-12-14. Review status: criteria provided, single submitter. Criteria: GeneDx Variant Classification Process June 2021. Collection method: clinical testing. Allele origin: germline. Affected: yes.
Comment: Not observed at significant frequency in large population cohorts (gnomAD); In silico analysis supports that this missense variant has a deleterious effect on protein structure/function; Has not been previously published as pathogenic or benign to our knowledge; This variant is associated with the following publications: (PMID: 27164704)